The following is an entry in ClinVar:

NC_000004.11:g.(93511438_94006145)_(94006431_94031898)del

Gene: GRID2 (glutamate ionotropic receptor delta type subunit 2; plus strand). Cytogenetic location: 4q22.1-22.2.
Variant type: Deletion.
Identifiers: ClinVar variation 1696205 (VCV001696205.1).

ClinVar aggregate classification (germline): Likely pathogenic (1 of 4 stars; one submission).

Conditions:
Autosomal recessive spinocerebellar ataxia 18. Identifiers: Orphanet 363432, MedGen C4015505, MONDO:0014530, OMIM 616204.

Submission:

Women's Health and Genetics/Laboratory Corporation of America, LabCorp
Classification: Likely pathogenic for Autosomal recessive spinocerebellar ataxia 18. Last evaluated: 2022-05-27. Review status: criteria provided, single submitter. Criteria: LabCorp Variant Classification Summary - May 2015. Collection method: clinical testing. Allele origin: germline.
Comment: Variant summary: The variant identified by MLPA or other technology involves the deletion of exon 3 in the GRID2 gene. A presumed nomenclature of c.(244+1_245-1)_(529+1_530-1)del has been designated for the purposes of this classification. Although exact breakpoints of this deletion are not known, it is expected to result in a large in-frame deletion of 95 amino acids in the GRID2 gene, a known mechanism of disease. The variant was absent in 21694 control chromosomes (gnomAD Structural Variants Dataset). To our knowledge, no occurrence of c.(244+1_245-1)_(529+1_530-1)del in individuals affected with Autosomal Recessive Spinocerebellar Ataxia 18 and no experimental evidence demonstrating its impact on protein function have been reported. No clinical diagnostic laboratories have submitted clinical-significance assessments for this variant to ClinVar after 2014. Based on the evidence outlined above, the variant was classified as likely pathogenic.